The following is an entry in ClinVar:

ClinVar aggregate classification (germline): Uncertain significance. Review status: criteria provided, multiple submitters, no conflicts (2 of 4 stars). 5 submissions from 5 submitters: Uncertain significance (5). Last evaluated 2026-05-07.

Conditions:
Ehlers-Danlos syndrome, dermatosparaxis type. Also called: Ehlers-Danlos syndrome, type VII, autosomal recessive; Dermatosparaxis; EDS VIIC. Identifiers: Orphanet 1901, MedGen C2700425, MONDO:0009161, OMIM 225410.

Allele frequency attached by ClinVar (database versions not stated): TOPMed 0.00004; gnomAD 0.00005.
gnomAD v4.1: 111 of 1,604,304 alleles (0.0069%); highest among the groups gnomAD compares: Non-Finnish European, 0.0087%; no homozygotes.

Submissions (5):

GeneDx
Classification: Uncertain significance. Last evaluated: 2026-05-07. Review status: criteria provided, single submitter. Criteria: GeneDx Variant Classification Process June 2021. Collection method: clinical testing. Allele origin: germline.
Comment: Not observed at significant frequency in large population cohorts (gnomAD); In silico analysis supports that this missense variant has a deleterious effect on protein structure/function; Has not been previously published as pathogenic or benign in association with a ASAMTS2-related disorder to our knowledge; This variant is associated with the following publications: (PMID: 36476812)

Mayo Clinic Laboratories, Mayo Clinic
Classification: Uncertain significance. Last evaluated: 2025-09-12. Review status: criteria provided, single submitter. Criteria: ACMG Guidelines, 2015. Collection method: clinical testing. Allele origin: germline. Observed: 1 variant allele.
Comment: BP1, PP3

Women's Health and Genetics/Laboratory Corporation of America, LabCorp
Classification: Uncertain significance. Last evaluated: 2025-04-22. Review status: criteria provided, single submitter. Criteria: LabCorp Variant Classification Summary - May 2015. Collection method: clinical testing. Allele origin: germline.
Comment: Variant summary: ADAMTS2 c.1349G>A (p.Arg450His) results in a non-conservative amino acid change in the encoded protein sequence. Five of five in-silico tools predict a damaging effect of the variant on protein function. The variant allele was found at a frequency of 5.2e-05 in 230176 control chromosomes. This frequency is not significantly higher than estimated for a pathogenic variant in ADAMTS2 causing Ehlers-Danlos syndrome, dermatosparaxis type (5.2e-05 vs 0.0011), allowing no conclusion about variant significance. To our knowledge, no occurrence of c.1349G>A in individuals affected with Ehlers-Danlos syndrome, dermatosparaxis type and no experimental evidence demonstrating its impact on protein function have been reported. ClinVar contains an entry for this variant (Variation ID: 907197). Based on the evidence outlined above, the variant was classified as uncertain significance.

Labcorp Genetics (formerly Invitae), Labcorp
Classification: Uncertain significance for Ehlers-Danlos syndrome, dermatosparaxis type. Last evaluated: 2022-05-11. Review status: criteria provided, single submitter. Criteria: Invitae Variant Classification Sherloc (09022015). Collection method: clinical testing. Allele origin: germline.
Comment: This sequence change replaces arginine, which is basic and polar, with histidine, which is basic and polar, at codon 450 of the ADAMTS2 protein (p.Arg450His). The frequency data for this variant in the population databases is considered unreliable, as metrics indicate poor data quality at this position in the gnomAD database. This variant has not been reported in the literature in individuals affected with ADAMTS2-related conditions. ClinVar contains an entry for this variant (Variation ID: 907197). Algorithms developed to predict the effect of missense changes on protein structure and function (SIFT, PolyPhen-2, Align-GVGD) all suggest that this variant is likely to be disruptive. In summary, the available evidence is currently insufficient to determine the role of this variant in disease. Therefore, it has been classified as a Variant of Uncertain Significance.

Illumina Laboratory Services, Illumina
Classification: Uncertain significance for Ehlers-Danlos syndrome, dermatosparaxis type. Last evaluated: 2018-01-12. Review status: criteria provided, single submitter. Criteria: ICSL Variant Classification Criteria 13 December 2019. Collection method: clinical testing. Allele origin: germline.

Literature cited by the submitters: PubMed 36476812 (cited by Mayo Clinic Laboratories, Mayo Clinic).

NM_014244.5(ADAMTS2):c.1349G>A (p.Arg450His)

Gene: ADAMTS2 (ADAM metallopeptidase with thrombospondin type 1 motif 2; minus strand). Cytogenetic location: 5q35.3.
Variant type: single nucleotide variant.
Coding change: c.1349G>A on transcript NM_014244.5 (MANE Select); coding-DNA position 1349, G replaced by A.
Protein change: p.Arg450His; replaces arginine 450 with histidine.
Molecular consequence: missense variant.
Genome position (GRCh38, 1-based): chr5:179,154,082, C>T on the plus strand (G>A on the coding strand, the complement: ADAMTS2 is on the minus strand). VCF-style: chr5-179154082-C-T. GRCh37 (hg19) VCF-style: chr5-178581083-C-T.
Other names: p.Arg450His; c.1349G>A, p.Arg450His (NM_021599.4); short protein forms R450H.
Identifiers: ClinVar variation 907197 (VCV000907197.10), dbSNP rs752634323, ClinGen allele CA3595959.